The following is an entry in ClinVar:

ClinVar aggregate classification (germline): Conflicting classifications of pathogenicity. Review status: criteria provided, conflicting classifications (1 of 4 stars). 3 submissions from 3 submitters: Uncertain significance (1); Likely benign (2). Last evaluated 2023-10-18.

Conditions:
Emery-Dreifuss muscular dystrophy 4, autosomal dominant (EDMD4). Also called: EMERY-DREIFUSS MUSCULAR DYSTROPHY 4 WITH VARIABLE FEATURES. Identifiers: Orphanet 261, MedGen C2751807, MONDO:0013071, OMIM 612998.
Autosomal recessive ataxia, Beauce type. Also called: SYNE1-Related Autosomal Recessive Cerebellar Ataxia; Spinocerebellar ataxia, autosomal recessive 8; ATAXIA, RECESSIVE, OF BEAUCE; SYNE1 Deficiency. Identifiers: Orphanet 88644, MedGen C1853116, MONDO:0012549, OMIM 610743.

Allele frequency attached by ClinVar (database versions not stated): TOPMed 0.00003.
gnomAD v4.1: 29 of 1,614,078 alleles (0.0018%); highest among the groups gnomAD compares: Non-Finnish European, 0.0023%; no homozygotes.

Submissions (3):

Labcorp Genetics (formerly Invitae), Labcorp
Classification: Likely benign for Emery-Dreifuss muscular dystrophy 4, autosomal dominant; Autosomal recessive ataxia, Beauce type. Last evaluated: 2023-10-18. Review status: criteria provided, single submitter. Criteria: Invitae Variant Classification Sherloc (09022015). Collection method: clinical testing. Allele origin: germline.

GeneDx
Classification: Likely benign. Last evaluated: 2018-05-31. Review status: criteria provided, single submitter. Criteria: GeneDx Variant Classification (06012015). Collection method: clinical testing. Allele origin: germline. Affected: yes.
Comment: This variant is considered likely benign or benign based on one or more of the following criteria: it is a conservative change, it occurs at a poorly conserved position in the protein, it is predicted to be benign by multiple in silico algorithms, and/or has population frequency not consistent with disease.

Eurofins Ntd Llc (ga)
Classification: Uncertain significance. Last evaluated: 2017-01-05. Review status: criteria provided, single submitter. Criteria: EGL Classification Definitions 2015. Collection method: clinical testing. Allele origin: germline. Observed: 1 variant allele, 1 heterozygote.

NM_182961.4(SYNE1):c.1290C>T (p.Thr430=)

Gene: SYNE1 (spectrin repeat containing nuclear envelope protein 1; minus strand). Cytogenetic location: 6q25.2.
Variant type: single nucleotide variant.
Coding change: c.1290C>T on transcript NM_182961.4 (MANE Select); coding-DNA position 1290, C replaced by T.
Protein change: p.Thr430=; no amino-acid change (threonine 430 retained).
Molecular consequence: synonymous variant.
Genome position (GRCh38, 1-based): chr6:152,483,145, G>A on the plus strand (C>T on the coding strand, the complement: SYNE1 is on the minus strand). VCF-style: chr6-152483145-G-A. GRCh37 (hg19) VCF-style: chr6-152804280-G-A.
Other names: c.1311C>T, p.Thr437= (NM_033071.5).
Identifiers: ClinVar variation 470996 (VCV000470996.14), dbSNP rs755709525, ClinGen allele CA4059471.
Genomic context (GRCh38, chr6:152,483,145, plus strand): 5'-CTTATGTTGCTCAAGTTTCCGTTGTATCGTGTTTGCTGTTTCCTCGTGGACCTGTTGAAC[G>A]GTTATTTCCTCTCTCAGGGCCACCTCCGCTCTGTACAGCCAGGCACCTATGGTGCCCAGA-3'
Protein context (NP_892006.3, residues 420-440): RAEVALREEI[Thr430=]VQQVHEETAN